The following is an entry in ClinVar:

NM_001130004.2(ACTN1):c.2191G>A (p.Val731Ile)

Gene: ACTN1 (actinin alpha 1; minus strand). Cytogenetic location: 14q24.1.
Variant type: single nucleotide variant.
Coding change: c.2191G>A on transcript NM_001130004.2 (MANE Select); coding-DNA position 2191, G replaced by A.
Protein change: p.Val731Ile; replaces valine 731 with isoleucine.
Molecular consequence: missense variant.
Genome position (GRCh38, 1-based): chr14:68,880,051, C>T on the plus strand (G>A on the coding strand, the complement: ACTN1 is on the minus strand). VCF-style: chr14-68880051-C-T. GRCh37 (hg19) VCF-style: chr14-69346768-C-T.
Other names: c.2191G>A, p.Val731Ile (NM_001102.4, NM_001130005.2, NM_001424012.1 and 2 more transcripts); c.2215G>A, p.Val739Ile (NM_001411035.1, NM_001424016.1); c.1996G>A, p.Val666Ile (NM_001411036.1, NM_001424026.1, NM_001424028.1); c.2317G>A, p.Val773Ile (NM_001424013.1); c.2278G>A, p.Val760Ile (NM_001424015.1); c.2188G>A, p.Val730Ile (NM_001424017.1); c.2152G>A, p.Val718Ile (NM_001424018.1); c.2008G>A, p.Val670Ile (NM_001424019.1, NM_001424024.1, NM_001424025.1 and 2 more transcripts); and 3 more; short protein forms V739I, V773I, V666I, V456I, V670I, V708I, V710I, V718I.
Identifiers: ClinVar variation 4692034 (VCV004692034.1).

ClinVar aggregate classification (germline): Uncertain significance (1 of 4 stars; one submission).

gnomAD v4.1: 9 of 1,614,104 alleles (0.00056%); highest among the groups gnomAD compares: Non-Finnish European, 0.00076%; no homozygotes.

Submission:

Labcorp Genetics (formerly Invitae), Labcorp
Classification: Uncertain significance. Last evaluated: 2025-09-28. Review status: criteria provided, single submitter. Criteria: Invitae Variant Classification Sherloc (09022015). Collection method: clinical testing. Allele origin: germline.
Comment: This sequence change replaces valine, which is neutral and non-polar, with isoleucine, which is neutral and non-polar, at codon 731 of the ACTN1 protein (p.Val731Ile). This variant is present in population databases (rs776400043, gnomAD 0.002%). This variant has not been reported in the literature in individuals affected with ACTN1-related conditions. Invitae Evidence Modeling of protein sequence and biophysical properties (such as structural, functional, and spatial information, amino acid conservation, physicochemical variation, residue mobility, and thermodynamic stability) indicates that this missense variant is not expected to disrupt ACTN1 protein function with a negative predictive value of 80%. In summary, the available evidence is currently insufficient to determine the role of this variant in disease. Therefore, it has been classified as a Variant of Uncertain Significance.